The following is an entry in ClinVar:

ClinVar aggregate classification (germline): Uncertain significance (1 of 4 stars; one submission).

Conditions:
Generalized epilepsy with febrile seizures plus, type 9 (GEFSP9). Also called: GEFS+, TYPE 9. Identifiers: Orphanet 36387, MedGen C4015395, MONDO:0014517, OMIM 616172.

Submission:

Labcorp Genetics (formerly Invitae), Labcorp
Classification: Uncertain significance for Generalized epilepsy with febrile seizures plus, type 9. Last evaluated: 2023-11-19. Review status: criteria provided, single submitter. Criteria: Invitae Variant Classification Sherloc (09022015). Collection method: clinical testing. Allele origin: germline.
Comment: This sequence change replaces isoleucine, which is neutral and non-polar, with methionine, which is neutral and non-polar, at codon 232 of the STX1B protein (p.Ile232Met). This variant is not present in population databases (gnomAD no frequency). This variant has not been reported in the literature in individuals affected with STX1B-related conditions. Advanced modeling of protein sequence and biophysical properties (such as structural, functional, and spatial information, amino acid conservation, physicochemical variation, residue mobility, and thermodynamic stability) performed at Invitae indicates that this missense variant is expected to disrupt STX1B protein function with a positive predictive value of 80%. In summary, the available evidence is currently insufficient to determine the role of this variant in disease. Therefore, it has been classified as a Variant of Uncertain Significance.

NM_052874.5(STX1B):c.696C>G (p.Ile232Met)

Gene: STX1B (syntaxin 1B; minus strand). Cytogenetic location: 16p11.2.
Variant type: single nucleotide variant.
Coding change: c.696C>G on transcript NM_052874.5 (MANE Select); coding-DNA position 696, C replaced by G.
Protein change: p.Ile232Met; replaces isoleucine 232 with methionine.
Molecular consequence: missense variant.
Genome position (GRCh38, 1-based): chr16:30,993,220, G>C on the plus strand (C>G on the coding strand, the complement: STX1B is on the minus strand). VCF-style: chr16-30993220-G-C. GRCh37 (hg19) VCF-style: chr16-31004541-G-C.
Other names: short protein forms I232M.
Identifiers: ClinVar variation 2697274 (VCV002697274.3), dbSNP rs775771121, ClinGen allele CA395646923.